The following is an entry in ClinVar:

NM_000285.4(PEPD):c.167G>A (p.Arg56His)

Gene: PEPD (peptidase D; minus strand). Cytogenetic location: 19q13.11.
Variant type: single nucleotide variant.
Coding change: c.167G>A on transcript NM_000285.4 (MANE Select); coding-DNA position 167, G replaced by A.
Protein change: p.Arg56His; replaces arginine 56 with histidine.
Molecular consequence: missense variant.
Genome position (GRCh38, 1-based): chr19:33,512,627, C>T on the plus strand (G>A on the coding strand, the complement: PEPD is on the minus strand). VCF-style: chr19-33512627-C-T. GRCh37 (hg19) VCF-style: chr19-34003533-C-T.
Other names: c.167G>A, p.Arg56His (NM_001166056.2, NM_001166057.2); short protein forms R56H.
Identifiers: ClinVar variation 1963459 (VCV001963459.3), dbSNP rs749796022, ClinGen allele CA9364478.

ClinVar aggregate classification (germline): Uncertain significance. Review status: criteria provided, multiple submitters, no conflicts (2 of 4 stars). 2 submissions from 2 submitters: Uncertain significance (2). Last evaluated 2022-10-02.

Conditions:
Inborn genetic diseases. Identifiers: MedGen C0950123, MeSH D030342.

Allele frequency attached by ClinVar (database versions not stated): TOPMed 0.00001; ExAC 0.00003.
gnomAD v4.1: 48 of 1,613,934 alleles (0.003%); highest among the groups gnomAD compares: South Asian, 0.0044%; no homozygotes.

Submissions (2):

Labcorp Genetics (formerly Invitae), Labcorp
Classification: Uncertain significance. Last evaluated: 2022-10-02. Review status: criteria provided, single submitter. Criteria: Invitae Variant Classification Sherloc (09022015). Collection method: clinical testing. Allele origin: germline.
Comment: This sequence change replaces arginine, which is basic and polar, with histidine, which is basic and polar, at codon 56 of the PEPD protein (p.Arg56His). This variant is present in population databases (rs749796022, gnomAD 0.004%). This variant has not been reported in the literature in individuals affected with PEPD-related conditions. Algorithms developed to predict the effect of missense changes on protein structure and function are either unavailable or do not agree on the potential impact of this missense change (SIFT: "Deleterious"; PolyPhen-2: "Possibly Damaging"; Align-GVGD: "Class C0"). In summary, the available evidence is currently insufficient to determine the role of this variant in disease. Therefore, it has been classified as a Variant of Uncertain Significance.

Ambry Genetics
Classification: Uncertain significance for Inborn genetic diseases. Last evaluated: 2021-08-09. Review status: criteria provided, single submitter. Criteria: Ambry Variant Classification Scheme 2023. Collection method: clinical testing. Allele origin: germline.